The following is an entry in ClinVar:

NM_000089.4(COL1A2):c.4055C>A (p.Ala1352Asp)

Gene: COL1A2 (collagen type I alpha 2 chain; plus strand). Cytogenetic location: 7q21.3.
Variant type: single nucleotide variant.
Coding change: c.4055C>A on transcript NM_000089.4 (MANE Select); coding-DNA position 4055, C replaced by A.
Protein change: p.Ala1352Asp; replaces alanine 1352 with aspartic acid.
Molecular consequence: missense variant.
Genome position (GRCh38, 1-based): chr7:94,430,347, C>A. VCF-style: chr7-94430347-C-A. GRCh37 (hg19) VCF-style: chr7-94059659-C-A.
Other names: short protein forms A1352D.
Identifiers: ClinVar variation 3365106 (VCV003365106.1).

ClinVar aggregate classification (germline): Uncertain significance (1 of 4 stars; one submission).

gnomAD v4.1: 5 of 1,613,898 alleles (0.00031%); highest among the groups gnomAD compares: Non-Finnish European, 0.00042%; no homozygotes.

Submission:

GeneDx
Classification: Uncertain significance. Last evaluated: 2023-12-01. Review status: criteria provided, single submitter. Criteria: GeneDx Variant Classification Process June 2021. Collection method: clinical testing. Allele origin: germline. Affected: yes.
Comment: Has not been previously published as pathogenic or benign to our knowledge; Not observed at significant frequency in large population cohorts (gnomAD); In silico analysis supports that this missense variant does not alter protein structure/function; Not located in the triple helical region, where the majority of pathogenic missense variants occur (HGMD)